The following is an entry in ClinVar:

NM_001184.4(ATR):c.7712G>C (p.Gly2571Ala)

Gene: ATR (ATR checkpoint kinase; minus strand). Cytogenetic location: 3q23.
Variant type: single nucleotide variant.
Coding change: c.7712G>C on transcript NM_001184.4 (MANE Select); coding-DNA position 7712, G replaced by C.
Protein change: p.Gly2571Ala; replaces glycine 2571 with alanine.
Molecular consequence: missense variant.
Genome position (GRCh38, 1-based): chr3:142,453,177, C>G on the plus strand (G>C on the coding strand, the complement: ATR is on the minus strand). VCF-style: chr3-142453177-C-G. GRCh37 (hg19) VCF-style: chr3-142172019-C-G.
Other names: c.7520G>C, p.Gly2507Ala (NM_001354579.2); short protein forms G2571A, G2507A.
Identifiers: ClinVar variation 3330499 (VCV003330499.3).

ClinVar aggregate classification (germline): Uncertain significance. Review status: criteria provided, multiple submitters, no conflicts (2 of 4 stars). 2 submissions from 2 submitters: Uncertain significance (2). Last evaluated 2024-06-04.

Conditions:
Inborn genetic diseases. Identifiers: MedGen C0950123, MeSH D030342.

Submissions (2):

Labcorp Genetics (formerly Invitae), Labcorp
Classification: Uncertain significance. Last evaluated: 2024-06-04. Review status: criteria provided, single submitter. Criteria: Invitae Variant Classification Sherloc (09022015). Collection method: clinical testing. Allele origin: germline.
Comment: This sequence change replaces glycine, which is neutral and non-polar, with alanine, which is neutral and non-polar, at codon 2571 of the ATR protein (p.Gly2571Ala). This variant is not present in population databases (gnomAD no frequency). This variant has not been reported in the literature in individuals affected with ATR-related conditions. An algorithm developed to predict the effect of missense changes on protein structure and function (PolyPhen-2) suggests that this variant is likely to be tolerated. In summary, the available evidence is currently insufficient to determine the role of this variant in disease. Therefore, it has been classified as a Variant of Uncertain Significance.

Ambry Genetics
Classification: Uncertain significance for Inborn genetic diseases. Last evaluated: 2024-04-26. Review status: criteria provided, single submitter. Criteria: Ambry Variant Classification Scheme 2023. Collection method: clinical testing. Allele origin: germline.
Comment: The p.G2571A variant (also known as c.7712G>C), located in coding exon 46 of the ATR gene, results from a G to C substitution at nucleotide position 7712. The glycine at codon 2571 is replaced by alanine, an amino acid with similar properties. This amino acid position is conserved. In addition, this alteration is predicted to be tolerated by in silico analysis. Based on the available evidence, the clinical significance of this variant remains unclear.